The following is an entry in ClinVar:

NM_001698.3(AUH):c.56G>T (p.Gly19Val)

Genes: AUH (AU RNA binding methylglutaconyl-CoA hydratase; minus strand), LOC130002059 (ATAC-STARR-seq lymphoblastoid silent region 20025; plus strand). Cytogenetic location: 9q22.31.
Variant type: single nucleotide variant.
Coding change: c.56G>T on transcript NM_001698.3 (MANE Select); coding-DNA position 56, G replaced by T.
Protein change: p.Gly19Val; replaces glycine 19 with valine.
Molecular consequence: missense variant. On other transcripts: 5 prime UTR variant (3).
Genome position (GRCh38, 1-based): chr9:91,361,834, C>A on the plus strand (G>T on the coding strand, the complement: AUH is on the minus strand). VCF-style: chr9-91361834-C-A. GRCh37 (hg19) VCF-style: chr9-94124116-C-A.
Other names: c.56G>T, p.Gly19Val (NM_001306190.2); c.-342G>T (NM_001351431.2, NM_001351433.2); c.-434G>T (NM_001351432.2); short protein forms G19V.
Identifiers: ClinVar variation 1419254 (VCV001419254.6), dbSNP rs1832891431, ClinGen allele CA373836721.

ClinVar aggregate classification (germline): Uncertain significance (1 of 4 stars; one submission).

Conditions:
3-methylglutaconic aciduria type 1 (MGCA1). Identifiers: Orphanet 67046, MedGen C0342727, MONDO:0009610, OMIM 250950.

Allele frequency attached by ClinVar (database versions not stated): gnomAD 0.00001; TOPMed below 0.00001; gnomAD exomes below 0.00001.
gnomAD v4.1: 3 of 1,501,964 alleles (0.0002%); highest among the groups gnomAD compares: Admixed American, 0.0066%; no homozygotes.

Submission:

Labcorp Genetics (formerly Invitae), Labcorp
Classification: Uncertain significance for 3-methylglutaconic aciduria type 1. Last evaluated: 2022-08-16. Review status: criteria provided, single submitter. Criteria: Invitae Variant Classification Sherloc (09022015). Collection method: clinical testing. Allele origin: germline.
Comment: In summary, the available evidence is currently insufficient to determine the role of this variant in disease. Therefore, it has been classified as a Variant of Uncertain Significance. Algorithms developed to predict the effect of missense changes on protein structure and function (SIFT, PolyPhen-2, Align-GVGD) all suggest that this variant is likely to be tolerated. ClinVar contains an entry for this variant (Variation ID: 1419254). This variant has not been reported in the literature in individuals affected with AUH-related conditions. This variant is not present in population databases (gnomAD no frequency). This sequence change replaces glycine, which is neutral and non-polar, with valine, which is neutral and non-polar, at codon 19 of the AUH protein (p.Gly19Val).